The following is an entry in ClinVar:

ClinVar aggregate classification (germline): Uncertain significance. Review status: criteria provided, multiple submitters, no conflicts (2 of 4 stars). 2 submissions from 2 submitters: Uncertain significance (2). Last evaluated 2026-06-08.

Conditions:
IFT74-related disorder. Also called: IFT74-related condition; IFT74-Related Disorders.

Allele frequency attached by ClinVar (database versions not stated): TOPMed below 0.00001; gnomAD exomes 0.00001; ExAC 0.00002; gnomAD 0.00003.

Submissions (2):

PreventionGenetics, part of Exact Sciences
Classification: Uncertain significance for IFT74-related condition. Last evaluated: 2026-06-08. Review status: criteria provided, single submitter. Criteria: ACMG Guidelines, 2015. Collection method: clinical testing. Allele origin: germline.
Comment: The IFT74 c.1518G>A variant is predicted to result in the amino acid substitution p.Met506Ile. To our knowledge, this variant has not been reported in the literature. This variant is reported in 0.013% of alleles in individuals of Latino descent in gnomAD. At this time, the clinical significance of this variant is uncertain due to the absence of conclusive functional and genetic evidence.

Labcorp Genetics (formerly Invitae), Labcorp
Classification: Uncertain significance. Last evaluated: 2022-11-08. Review status: criteria provided, single submitter. Criteria: Invitae Variant Classification Sherloc (09022015). Collection method: clinical testing. Allele origin: germline.
Comment: This sequence change replaces methionine, which is neutral and non-polar, with isoleucine, which is neutral and non-polar, at codon 506 of the IFT74 protein (p.Met506Ile). In summary, the available evidence is currently insufficient to determine the role of this variant in disease. Therefore, it has been classified as a Variant of Uncertain Significance. Algorithms developed to predict the effect of missense changes on protein structure and function output the following: SIFT: "Tolerated"; PolyPhen-2: "Benign"; Align-GVGD: "Class C0". The isoleucine amino acid residue is found in multiple mammalian species, which suggests that this missense change does not adversely affect protein function. This variant has not been reported in the literature in individuals affected with IFT74-related conditions. This variant is present in population databases (rs759516054, gnomAD 0.02%).

NM_025103.4(IFT74):c.1518G>A (p.Met506Ile)

Gene: IFT74 (intraflagellar transport 74; plus strand). Cytogenetic location: 9p21.2.
Variant type: single nucleotide variant.
Coding change: c.1518G>A on transcript NM_025103.4 (MANE Select); coding-DNA position 1518, G replaced by A.
Protein change: p.Met506Ile; replaces methionine 506 with isoleucine.
Molecular consequence: missense variant.
Genome position (GRCh38, 1-based): chr9:27,056,354, G>A. VCF-style: chr9-27056354-G-A. GRCh37 (hg19) VCF-style: chr9-27056352-G-A.
Other names: c.1518G>A, p.Met506Ile (NM_001099222.3, NM_001099223.3, NM_001349928.2); c.1518G>A (NM_025103.2); short protein forms M506I.
Identifiers: ClinVar variation 2191282 (VCV002191282.3), dbSNP rs759516054, ClinGen allele CA5015692.